The following is an entry in ClinVar:

ClinVar aggregate classification (germline): Likely pathogenic (1 of 4 stars; one submission).

Conditions:
Autosomal recessive osteopetrosis 4. Also called: CLCN7-Related Osteopetrosis; infantile malignant CLCN7-related recessive osteopetrosis. Identifiers: Orphanet 667, MedGen C1969106, MONDO:0012676, OMIM 611490.

Submission:

Neuberg Centre For Genomic Medicine, NCGM
Classification: Likely pathogenic for Autosomal recessive osteopetrosis 4. Last evaluated: 2023-05-20. Review status: criteria provided, single submitter. Criteria: ACMG Guidelines, 2015. Collection method: clinical testing. Allele origin: germline. Inheritance: Autosomal recessive inheritance. Affected: yes.
Comment: The observed frameshift c.456_459del(p.Gly153SerfsTer29) variant has not been reported previously as a pathogenic variant nor a benign variant, to our knowledge. The p.Gly153SerfsTer29 variant is absent in gnomAD Exomes. This variant has not been submitted to the ClinVar database. This variant causes a frameshift starting with codon Glycine 153, changes this amino acid to Serine residue, and creates a premature Stop codon at position 29 of the new reading frame, denoted p.Gly153SerfsTer29. This variant is predicted to cause loss of normal protein function through protein truncation. Loss of function variants have been previously reported to be disease causing. However, additional functional studies will be required to prove the pathogenicity of this variant. For these reasons, this variant has been classified as Likely Pathogenic.

NM_001287.6(CLCN7):c.456_459del (p.Gly153fs)

Gene: CLCN7 (Cl-/H+ antiporter 7; minus strand). Cytogenetic location: 16p13.3.
Variant type: Microsatellite.
Coding change: c.456_459del on transcript NM_001287.6 (MANE Select); coding-DNA positions 456 to 459, 4 bases deleted (TGGC; older notation c.456_459delTGGC).
Protein change: p.Gly153fs; shifts the reading frame from glycine 153.
Molecular consequence: frameshift variant.
Genome position (GRCh38, 1-based): chr16:1,460,841-1,460,844, GCCA deleted on the plus strand (TGGC on the coding strand, the reverse complement: CLCN7 is on the minus strand); deleting any 4 consecutive bases within chr16:1,460,841-1,460,849 gives the same sequence; the c. name uses the placement nearest the transcript's 3' end. VCF-style (leftmost placement, unchanged base first): chr16-1460840-GGCCA-G. GRCh37 (hg19) VCF-style: chr16-1510841-GGCCA-G.
Other names: c.384_387del, p.Gly129fs (NM_001114331.3); short protein forms G129fs, G153fs.
Identifiers: ClinVar variation 3367156 (VCV003367156.1).